The following is an entry in ClinVar:

ClinVar aggregate classification (germline): Uncertain significance (1 of 4 stars; one submission).

Conditions:
DICER1-related tumor predisposition. Also called: DICER1-related pleuropulmonary blastoma cancer predisposition syndrome; DICER1 syndrome. Identifiers: Orphanet 284343, MedGen C3839822, MONDO:0100216.

Submission:

Labcorp Genetics (formerly Invitae), Labcorp
Classification: Uncertain significance for DICER1-related tumor predisposition. Last evaluated: 2025-04-26. Review status: criteria provided, single submitter. Criteria: Invitae Variant Classification Sherloc (09022015). Collection method: clinical testing. Allele origin: germline.
Comment: This sequence change replaces lysine, which is basic and polar, with asparagine, which is neutral and polar, at codon 592 of the DICER1 protein (p.Lys592Asn). This variant is not present in population databases (gnomAD no frequency). This variant has not been reported in the literature in individuals affected with DICER1-related conditions. Invitae Evidence Modeling of protein sequence and biophysical properties (such as structural, functional, and spatial information, amino acid conservation, physicochemical variation, residue mobility, and thermodynamic stability) indicates that this missense variant is not expected to disrupt DICER1 protein function with a negative predictive value of 95%. In summary, the available evidence is currently insufficient to determine the role of this variant in disease. Therefore, it has been classified as a Variant of Uncertain Significance.

NM_177438.3(DICER1):c.1776G>C (p.Lys592Asn)

Gene: DICER1 (dicer 1, ribonuclease III; minus strand). Cytogenetic location: 14q32.13.
Variant type: single nucleotide variant.
Coding change: c.1776G>C on transcript NM_177438.3 (MANE Select); coding-DNA position 1776, G replaced by C.
Protein change: p.Lys592Asn; replaces lysine 592 with asparagine.
Molecular consequence: missense variant. On other transcripts: non-coding transcript variant (6).
Genome position (GRCh38, 1-based): chr14:95,115,798, C>G on the plus strand (G>C on the coding strand, the complement: DICER1 is on the minus strand). VCF-style: chr14-95115798-C-G. GRCh37 (hg19) VCF-style: chr14-95582135-C-G.
Other names: c.1776G>C, p.Lys592Asn (NM_001395694.1, NM_001395695.1, NM_030621.4 and 12 more transcripts); c.1371G>C, p.Lys457Asn (NM_001395696.1, NM_001395698.1, NM_001395687.1 and 3 more transcripts); c.93G>C, p.Lys31Asn (NM_001395697.1); c.1494G>C, p.Lys498Asn (NM_001395686.1); c.1209G>C, p.Lys403Asn (NM_001395691.1); short protein forms K403N, K498N, K592N, K457N, K31N.
Identifiers: ClinVar variation 4746789 (VCV004746789.1).
Genomic context (GRCh38, chr14:95,115,798, plus strand): 5'-TGGGAAAACGTCATCATCATCCATGACAGGATCAATGTCAGTCTCACCAGTATCAACCGA[C>G]TTGGAACACTTGTTTCTCAAGATCTGAACATTTAAAAAACAGAACTTATGATGAAAACAC-3'
Protein context (NP_803187.1, residues 582-602): IEKILRNKCS[Lys592Asn]SVDTGETDID